The following is an entry in ClinVar:

NM_001035.3(RYR2):c.8130-5C>T

Gene: RYR2 (ryanodine receptor 2; plus strand). Cytogenetic location: 1q43.
Variant type: single nucleotide variant.
Coding change: c.8130-5C>T on transcript NM_001035.3 (MANE Select); 5 bases into the intron before coding-DNA position 8130, C replaced by T.
Molecular consequence: intron variant.
Genome position (GRCh38, 1-based): chr1:237,657,939, C>T. VCF-style: chr1-237657939-C-T. GRCh37 (hg19) VCF-style: chr1-237821239-C-T.
Identifiers: ClinVar variation 919475 (VCV000919475.12), dbSNP rs1683411935, ClinGen allele CA913187841.

ClinVar aggregate classification (germline): Likely benign. Review status: criteria provided, multiple submitters, no conflicts (2 of 4 stars). 3 submissions from 3 submitters: Likely benign (3). Last evaluated 2024-02-05.

Conditions:
Catecholaminergic polymorphic ventricular tachycardia (CVPT). Also called: Catecholamine-induced polymorphic ventricular tachycardia. Identifiers: Orphanet 3286, MedGen C5574922, MONDO:0017990.
Cardiomyopathy (CMYO). Also called: Cardiomyopathies. Identifiers: Orphanet 167848, MedGen C0878544, MONDO:0004994, HP:0001638. Inheritance: Various modes of inheritance.
Catecholaminergic polymorphic ventricular tachycardia 1. Also called: VENTRICULAR TACHYCARDIA, CATECHOLAMINERGIC POLYMORPHIC, 1, WITH OR WITHOUT ATRIAL DYSFUNCTION AND/OR DILATED CARDIOMYOPATHY; RYR2-Related Catecholaminergic Polymorphic Ventricular Tachycardia; VENTRICULAR TACHYCARDIA, STRESS-INDUCED POLYMORPHIC 1. Identifiers: Orphanet 3286, MedGen C1631597, MONDO:0011484, OMIM 604772.

Allele frequency attached by ClinVar (database versions not stated): gnomAD exomes below 0.00001; gnomAD 0.00001.
gnomAD v4.1: 5 of 1,456,508 alleles (0.00034%); highest among the groups gnomAD compares: Non-Finnish European, 0.00046%; no homozygotes.

Submissions (3):

All of Us Research Program, National Institutes of Health
Classification: Likely benign for Catecholaminergic polymorphic ventricular tachycardia. Last evaluated: 2024-02-05. Review status: criteria provided, single submitter. Criteria: ACMG Guidelines, 2015. Collection method: clinical testing. Allele origin: germline. Inheritance: Autosomal dominant inheritance. Observed: 1 variant allele, 1 heterozygote.
Comment: This study involves interpretation of variants in research participants for the purpose of population health screening. Participant phenotype was not available at the time of variant classification. Additional details can be found in publication PMID: 35346344, PMCID: PMC8962531

Labcorp Genetics (formerly Invitae), Labcorp
Classification: Likely benign for Catecholaminergic polymorphic ventricular tachycardia 1. Last evaluated: 2021-06-12. Review status: criteria provided, single submitter. Criteria: Invitae Variant Classification Sherloc (09022015). Collection method: clinical testing. Allele origin: germline.

Color Diagnostics, LLC DBA Color Health
Classification: Likely benign for Cardiomyopathy. Last evaluated: 2018-11-13. Review status: criteria provided, single submitter. Criteria: ACMG Guidelines, 2015. Collection method: clinical testing. Allele origin: germline.